The following is an entry in ClinVar:

ClinVar aggregate classification (germline): Uncertain significance (1 of 4 stars; one submission).

Submission:

Women's Health and Genetics/Laboratory Corporation of America, LabCorp
Classification: Uncertain significance. Last evaluated: 2024-04-18. Review status: criteria provided, single submitter. Criteria: LabCorp Variant Classification Summary - May 2015. Collection method: clinical testing. Allele origin: germline.
Comment: Variant summary: The variant involves the duplication of exons 1-3 in the NDUFAF1 gene. A presumed nomenclature of c.(?_-435)_(759+1_760-1)dup has been designated for the purposes of this classification. It is assumed to be a tandem duplication in direct orientation (PMIDs: 25640679, 30054569). The exact breakpoint at the 5' end of this variant is unknown, therefore this duplication may extend upstream of the annotated region of this gene. It is predicted to duplicate a segment including the initiation codon (i.e. exon 2), therefore its impact on the encoded protein is unknown. A duplication which encompasses exons 1-3 in the NDUFAF1 gene was found at a frequency of 2.5e-05 in 119902 control chromosomes in the gnomAD database (Structural Variants v4.0 dataset). The available data on variant occurrences in the general population are insufficient to allow any conclusion about variant significance. To our knowledge, no occurrence of c.(?_-435)_(759+1_760-1)dup in individuals affected with Mitochondrial Complex 1 Deficiency, Nuclear Type 11 and no experimental evidence demonstrating its impact on protein function have been reported. ClinVar contains an entry for a similar duplication, i.e. which encompasses the first two coding exons of the gene (Variation ID: 1004277). Based on the evidence outlined above, the variant was classified as uncertain significance.

NC_000015.9:g.(41680721_41687056)_(41694695_?)dup

Gene: NDUFAF1 (NADH:ubiquinone oxidoreductase complex assembly factor 1; minus strand). Cytogenetic location: 15q15.1.
Variant type: Duplication.
Identifiers: ClinVar variation 3251879 (VCV003251879.1).